The following is an entry in ClinVar:

NM_175875.5(SIX5):c.656G>A (p.Cys219Tyr)

Genes: DM1-AS (DM1 locus antisense RNA; plus strand), SIX5 (SIX homeobox 5; minus strand), LOC107075317 (origin of replication in DMPK trinucleotide repeat region; plus strand). Cytogenetic location: 19q13.32.
Variant type: single nucleotide variant.
Coding change: c.656G>A on transcript NM_175875.5 (MANE Select); coding-DNA position 656, G replaced by A.
Protein change: p.Cys219Tyr; replaces cysteine 219 with tyrosine.
Molecular consequence: missense variant.
Genome position (GRCh38, 1-based): chr19:45,768,189, C>T on the plus strand (G>A on the coding strand, the complement: SIX5 is on the minus strand). VCF-style: chr19-45768189-C-T. GRCh37 (hg19) VCF-style: chr19-46271447-C-T.
Other names: short protein forms C219Y.
Identifiers: ClinVar variation 1908926 (VCV001908926.5), dbSNP rs1451031540, ClinGen allele CA406423167.

ClinVar aggregate classification (germline): Uncertain significance (1 of 4 stars; one submission).

gnomAD v4.1: 3 of 1,613,122 alleles (0.00019%); highest among the groups gnomAD compares: Admixed American, 0.0033%; no homozygotes.

Submission:

Labcorp Genetics (formerly Invitae), Labcorp
Classification: Uncertain significance. Last evaluated: 2022-03-04. Review status: criteria provided, single submitter. Criteria: Invitae Variant Classification Sherloc (09022015). Collection method: clinical testing. Allele origin: germline.
Comment: This variant has not been reported in the literature in individuals affected with SIX5-related conditions. Algorithms developed to predict the effect of missense changes on protein structure and function are either unavailable or do not agree on the potential impact of this missense change (SIFT: "Deleterious"; PolyPhen-2: "Probably Damaging"; Align-GVGD: "Class C0"). In summary, the available evidence is currently insufficient to determine the role of this variant in disease. Therefore, it has been classified as a Variant of Uncertain Significance. This sequence change replaces cysteine, which is neutral and slightly polar, with tyrosine, which is neutral and polar, at codon 219 of the SIX5 protein (p.Cys219Tyr). This variant is present in population databases (no rsID available, gnomAD 0.009%).